The following is an entry in ClinVar:

NM_024105.4(ALG12):c.476T>G (p.Leu159Arg)

Gene: ALG12 (ALG12 alpha-1,6-mannosyltransferase; minus strand). Cytogenetic location: 22q13.33.
Variant type: single nucleotide variant.
Coding change: c.476T>G on transcript NM_024105.4 (MANE Select); coding-DNA position 476, T replaced by G.
Protein change: p.Leu159Arg; replaces leucine 159 with arginine.
Molecular consequence: missense variant.
Genome position (GRCh38, 1-based): chr22:49,910,082, A>C on the plus strand (T>G on the coding strand, the complement: ALG12 is on the minus strand). VCF-style: chr22-49910082-A-C. GRCh37 (hg19) VCF-style: chr22-50303730-A-C.
Other names: short protein forms L159R.
Identifiers: ClinVar variation 1355286 (VCV001355286.8), dbSNP rs1410146441, ClinGen allele CA412075877.
Genomic context (GRCh38, chr22:49,910,082, plus strand): 5'-GCGAAGGCTGACAGCCAGATGAAGCGGGCCCACTCGTGCCGCAGCCAGGCCGCGAGGGCC[A>C]GCAGGACTGCAAGACAGTGCGGGAGGGTGCTCGTCAAGACACAGGGCCCACCCGGCCCAG-3'
Protein context (NP_077010.1, residues 149-169): PNVLALPVVL[Leu159Arg]ALAAWLRHEW

ClinVar aggregate classification (germline): Uncertain significance (1 of 4 stars; one submission).

Conditions:
ALG12-congenital disorder of glycosylation (CDG1G). Also called: CDG Ig; ALG12-CDG; Congenital disorder of glycosylation, type Ig. Identifiers: Orphanet 79324, MedGen C2931001, MONDO:0011783, OMIM 607143.

Allele frequency attached by ClinVar (database versions not stated): TOPMed below 0.00001; gnomAD 0.00001.
gnomAD v4.1: 1 of 1,607,246 alleles (0.000062%); highest among the groups gnomAD compares: African/African-American, 0.0013%; no homozygotes.

Submission:

Labcorp Genetics (formerly Invitae), Labcorp
Classification: Uncertain significance for ALG12-congenital disorder of glycosylation. Last evaluated: 2022-08-09. Review status: criteria provided, single submitter. Criteria: Invitae Variant Classification Sherloc (09022015). Collection method: clinical testing. Allele origin: germline.
Comment: In summary, the available evidence is currently insufficient to determine the role of this variant in disease. Therefore, it has been classified as a Variant of Uncertain Significance. Algorithms developed to predict the effect of missense changes on protein structure and function are either unavailable or do not agree on the potential impact of this missense change (SIFT: "Deleterious"; PolyPhen-2: "Possibly Damaging"; Align-GVGD: "Class C0"). ClinVar contains an entry for this variant (Variation ID: 1355286). This variant has not been reported in the literature in individuals affected with ALG12-related conditions. This variant is present in population databases (no rsID available, gnomAD 0.01%). This sequence change replaces leucine, which is neutral and non-polar, with arginine, which is basic and polar, at codon 159 of the ALG12 protein (p.Leu159Arg).